The following is an entry in ClinVar:

ClinVar aggregate classification (germline): Benign (1 of 4 stars; one submission).

Conditions:
ICAM1-related disorder. Also called: ICAM1-related condition.

gnomAD v4.1: 43,683 of 1,613,982 alleles (2.7%); highest among the groups gnomAD compares: Non-Finnish European, 3.1%; 684 homozygotes.

Submission:

PreventionGenetics, part of Exact Sciences
Classification: Benign for ICAM1-related condition. Last evaluated: 2024-12-14. Review status: criteria provided, single submitter. Criteria: ACMG Guidelines, 2015. Collection method: clinical testing. Allele origin: germline.
Comment: This variant is classified as benign based on ACMG/AMP sequence variant interpretation guidelines (Richards et al. 2015 PMID: 25741868, with internal and published modifications).

NM_000201.3(ICAM1):c.1055C>T (p.Pro352Leu)

Gene: ICAM1 (intercellular adhesion molecule 1; plus strand). Cytogenetic location: 19p13.2.
Variant type: single nucleotide variant.
Coding change: c.1055C>T on transcript NM_000201.3 (MANE Select); coding-DNA position 1055, C replaced by T.
Protein change: p.Pro352Leu; replaces proline 352 with leucine.
Molecular consequence: missense variant.
Genome position (GRCh38, 1-based): chr19:10,284,532, C>T. VCF-style: chr19-10284532-C-T. GRCh37 (hg19) VCF-style: chr19-10395208-C-T.
Other names: short protein forms P352L.
Identifiers: ClinVar variation 4993472 (VCV004993472.1).